The following is an entry in ClinVar:

ClinVar aggregate classification (germline): Uncertain significance. Review status: criteria provided, multiple submitters, no conflicts (2 of 4 stars). 2 submissions from 2 submitters: Uncertain significance (2). Last evaluated 2024-11-11.

Conditions:
Inborn genetic diseases. Identifiers: MedGen C0950123, MeSH D030342.
Cowden syndrome (CS). Also called: Cowden's disease; Cowden's syndrome; Cowden disease. Identifiers: Orphanet 201, MedGen C0018553, MONDO:0016063. Disease mechanism: gain of function.

Allele frequency attached by ClinVar (database versions not stated): gnomAD exomes below 0.00001 and 0.00001; TOPMed below 0.00001; ExAC 0.00001; gnomAD 0.00001.

Submissions (2):

Labcorp Genetics (formerly Invitae), Labcorp
Classification: Uncertain significance for Cowden syndrome. Last evaluated: 2024-11-11. Review status: criteria provided, single submitter. Criteria: Invitae Variant Classification Sherloc (09022015). Collection method: clinical testing. Allele origin: germline.
Comment: This sequence change replaces asparagine, which is neutral and polar, with serine, which is neutral and polar, at codon 212 of the PIK3CA protein (p.Asn212Ser). This variant is present in population databases (rs751662352, gnomAD 0.007%). This variant has not been reported in the literature in individuals affected with PIK3CA-related conditions. ClinVar contains an entry for this variant (Variation ID: 935521). Invitae Evidence Modeling of protein sequence and biophysical properties (such as structural, functional, and spatial information, amino acid conservation, physicochemical variation, residue mobility, and thermodynamic stability) indicates that this missense variant is not expected to disrupt PIK3CA protein function with a negative predictive value of 95%. In summary, the available evidence is currently insufficient to determine the role of this variant in disease. Therefore, it has been classified as a Variant of Uncertain Significance.

Ambry Genetics
Classification: Uncertain significance for Inborn genetic diseases. Last evaluated: 2022-10-12. Review status: criteria provided, single submitter. Criteria: Ambry Variant Classification Scheme 2023. Collection method: clinical testing. Allele origin: germline.
Comment: The p.N212S variant (also known as c.635A>G), located in coding exon 3 of the PIK3CA gene, results from an A to G substitution at nucleotide position 635. The asparagine at codon 212 is replaced by serine, an amino acid with highly similar properties. This amino acid position is conserved. In addition, this alteration is predicted to be tolerated by in silico analysis. Since supporting evidence is limited at this time, the clinical significance of this alteration remains unclear.

NM_006218.4(PIK3CA):c.635A>G (p.Asn212Ser)

Gene: PIK3CA (phosphatidylinositol-4,5-bisphosphate 3-kinase catalytic subunit alpha; plus strand). Cytogenetic location: 3q26.32.
Variant type: single nucleotide variant.
Coding change: c.635A>G on transcript NM_006218.4 (MANE Select); coding-DNA position 635, A replaced by G.
Protein change: p.Asn212Ser; replaces asparagine 212 with serine.
Molecular consequence: missense variant.
Genome position (GRCh38, 1-based): chr3:179,201,362, A>G. VCF-style: chr3-179201362-A-G. GRCh37 (hg19) VCF-style: chr3-178919150-A-G.
Other names: short protein forms N212S.
Identifiers: ClinVar variation 935521 (VCV000935521.12), dbSNP rs751662352, ClinGen allele CA2710577.